The following is an entry in ClinVar:

ClinVar aggregate classification (germline): Uncertain significance (1 of 4 stars; one submission).

Submission:

Labcorp Genetics (formerly Invitae), Labcorp
Classification: Uncertain significance. Last evaluated: 2025-06-24. Review status: criteria provided, single submitter. Criteria: Invitae Variant Classification Sherloc (09022015). Collection method: clinical testing. Allele origin: germline.
Comment: This sequence change replaces cysteine, which is neutral and slightly polar, with tyrosine, which is neutral and polar, at codon 71 of the HTRA2 protein (p.Cys71Tyr). This variant is not present in population databases (gnomAD no frequency). This variant has not been reported in the literature in individuals affected with HTRA2-related conditions. An algorithm developed to predict the effect of missense changes on protein structure and function (PolyPhen-2) suggests that this variant is likely to be tolerated. In summary, the available evidence is currently insufficient to determine the role of this variant in disease. Therefore, it has been classified as a Variant of Uncertain Significance.

NM_013247.5(HTRA2):c.212G>A (p.Cys71Tyr)

Gene: HTRA2 (HtrA serine peptidase 2; plus strand). Cytogenetic location: 2p13.1.
Variant type: single nucleotide variant.
Coding change: c.212G>A on transcript NM_013247.5 (MANE Select); coding-DNA position 212, G replaced by A.
Protein change: p.Cys71Tyr; replaces cysteine 71 with tyrosine.
Molecular consequence: missense variant. On other transcripts: non-coding transcript variant (1).
Genome position (GRCh38, 1-based): chr2:74,530,218, G>A. VCF-style: chr2-74530218-G-A. GRCh37 (hg19) VCF-style: chr2-74757345-G-A.
Other names: c.212G>A, p.Cys71Tyr (NM_001321727.1, NM_001321728.1, NM_145074.2); short protein forms C71Y.
Identifiers: ClinVar variation 4722043 (VCV004722043.1).